The following is an entry in ClinVar:

ClinVar aggregate classification (germline): Uncertain significance (1 of 4 stars; one submission).

Conditions:
Cardiovascular phenotype. Identifiers: MedGen CN230736.

Submission:

Ambry Genetics
Classification: Uncertain significance for Cardiovascular phenotype. Last evaluated: 2025-01-02. Review status: criteria provided, single submitter. Criteria: Ambry Variant Classification Scheme 2023. Collection method: clinical testing. Allele origin: germline.
Comment: The c.7831_7836delTTAGAA variant (also known as p.L2611_E2612del), located in coding exon 31 of the AKAP9 gene, results from an in-frame TTAGAA deletion at nucleotide positions 7831 to 7836. This results in the in-frame deletion of two amino acids a at codons 2611 and 2612. This amino acid region is well conserved in available vertebrate species. In addition, this alteration is predicted to be deleterious by in silico analysis (Choi Y et al. PLoS ONE. 2012; 7(10):e46688). The evidence for this gene-disease relationship is limited; therefore, the clinical significance of this alteration is unclear.

NM_005751.5(AKAP9):c.7831_7836del (p.Leu2611_Glu2612del)

Gene: AKAP9 (A-kinase anchoring protein 9; plus strand). Cytogenetic location: 7q21.2.
Variant type: Deletion.
Coding change: c.7831_7836del on transcript NM_005751.5 (MANE Select); coding-DNA positions 7831 to 7836, 6 bases deleted (TTAGAA; older notation c.7831_7836delTTAGAA).
Protein change: p.Leu2611_Glu2612del.
Molecular consequence: inframe deletion.
Genome position (GRCh38, 1-based): chr7:92,079,964-92,079,969, TTAGAA deleted; deleting any 6 consecutive bases within chr7:92,079,960-92,079,969 gives the same sequence; the c. name uses the placement nearest the transcript's 3' end. VCF-style (leftmost placement, unchanged base first): chr7-92079959-CAGAATT-C. GRCh37 (hg19) VCF-style: chr7-91709273-CAGAATT-C.
Other names: c.2476_2481del, p.Leu826_Glu827del (NM_001379277.1); c.7807_7812del, p.Leu2603_Glu2604del (NM_147185.3).
Identifiers: ClinVar variation 3849195 (VCV003849195.1).
Genomic context (GRCh38, chr7:92,079,959, plus strand): 5'-TAAATCAACTAAGAGAAGATGAGTTGGGGTCAGATATATCAGCATTAACCTTGAGAATAT[CAGAATT>C]AGAAAGCCAGGTTGTTGAAATGCATACTAGTTTGATTTTAGAAAAAGAACAAGTAGAAAT-3'